The following is an entry in ClinVar:

ClinVar aggregate classification (germline): Uncertain significance (1 of 4 stars; one submission).

Conditions:
Early-infantile DEE. Also called: Early infantile epileptic encephalopathy with suppression bursts; Early infantile epileptic encephalopathy; Ohtahara syndrome. Identifiers: Orphanet 1934, MedGen C0393706, MONDO:0800491.

Allele frequency attached by ClinVar (database versions not stated): ExAC 0.00001; gnomAD exomes 0.00001 and 0.00002; gnomAD 0.00003 and 0.00004; TOPMed 0.00004; ESP Exome Variant Server 0.00008.
gnomAD v4.1: 27 of 1,613,632 alleles (0.0017%); highest among the groups gnomAD compares: Admixed American, 0.0033%; no homozygotes.

Submission:

Labcorp Genetics (formerly Invitae), Labcorp
Classification: Uncertain significance for Early-infantile DEE. Last evaluated: 2024-05-02. Review status: criteria provided, single submitter. Criteria: Invitae Variant Classification Sherloc (09022015). Collection method: clinical testing. Allele origin: germline.
Comment: This sequence change replaces serine, which is neutral and polar, with leucine, which is neutral and non-polar, at codon 449 of the KCNH5 protein (p.Ser449Leu). This variant is present in population databases (rs369774413, gnomAD 0.004%). This variant has not been reported in the literature in individuals affected with KCNH5-related conditions. ClinVar contains an entry for this variant (Variation ID: 572837). An algorithm developed to predict the effect of missense changes on protein structure and function (PolyPhen-2) suggests that this variant is likely to be disruptive. In summary, the available evidence is currently insufficient to determine the role of this variant in disease. Therefore, it has been classified as a Variant of Uncertain Significance.

NM_139318.5(KCNH5):c.1346C>T (p.Ser449Leu)

Gene: KCNH5 (potassium voltage-gated channel subfamily H member 5; minus strand). Cytogenetic location: 14q23.2.
Variant type: single nucleotide variant.
Coding change: c.1346C>T on transcript NM_139318.5 (MANE Select); coding-DNA position 1346, C replaced by T.
Protein change: p.Ser449Leu; replaces serine 449 with leucine.
Molecular consequence: missense variant.
Genome position (GRCh38, 1-based): chr14:62,950,156, G>A on the plus strand (C>T on the coding strand, the complement: KCNH5 is on the minus strand). VCF-style: chr14-62950156-G-A. GRCh37 (hg19) VCF-style: chr14-63416874-G-A.
Other names: c.1346C>T, p.Ser449Leu (NM_172375.3); short protein forms S449L.
Identifiers: ClinVar variation 572837 (VCV000572837.9), dbSNP rs369774413, ClinGen allele CA7217498.